The following is an entry in ClinVar:

ClinVar aggregate classification (germline): Uncertain significance. Review status: criteria provided, multiple submitters, no conflicts (2 of 4 stars). 3 submissions from 3 submitters: Uncertain significance (3). Last evaluated 2025-01-01.

Conditions:
Kabuki syndrome 2 (KABUK2). Also called: KDM6A-Related Kabuki Syndrome. Identifiers: Orphanet 2322, MedGen C3275495, MONDO:0010465, OMIM 300867.
Inborn genetic diseases. Identifiers: MedGen C0950123, MeSH D030342.

Submissions (3):

Labcorp Genetics (formerly Invitae), Labcorp
Classification: Uncertain significance for Kabuki syndrome 2. Last evaluated: 2025-01-01. Review status: criteria provided, single submitter. Criteria: Invitae Variant Classification Sherloc (09022015). Collection method: clinical testing. Allele origin: germline.
Comment: This sequence change replaces proline, which is neutral and non-polar, with alanine, which is neutral and non-polar, at codon 1395 of the KDM6A protein (p.Pro1395Ala). This variant is not present in population databases (gnomAD no frequency). This variant has not been reported in the literature in individuals affected with KDM6A-related conditions. Invitae Evidence Modeling of protein sequence and biophysical properties (such as structural, functional, and spatial information, amino acid conservation, physicochemical variation, residue mobility, and thermodynamic stability) has been performed for this missense variant. However, the output from this modeling did not meet the statistical confidence thresholds required to predict the impact of this variant on KDM6A protein function. In summary, the available evidence is currently insufficient to determine the role of this variant in disease. Therefore, it has been classified as a Variant of Uncertain Significance.

GeneDx
Classification: Uncertain significance. Last evaluated: 2024-06-21. Review status: criteria provided, single submitter. Criteria: GeneDx Variant Classification Process June 2021. Collection method: clinical testing. Allele origin: germline. Affected: yes.
Comment: Not observed at significant frequency in large population cohorts (gnomAD); In silico analysis indicates that this missense variant does not alter protein structure/function; Has not been previously published as pathogenic or benign to our knowledge

Ambry Genetics
Classification: Uncertain significance for Inborn genetic diseases. Last evaluated: 2024-04-17. Review status: criteria provided, single submitter. Criteria: Ambry Variant Classification Scheme 2023. Collection method: clinical testing. Allele origin: germline.

NM_001291415.2(KDM6A):c.4339C>G (p.Pro1447Ala)

Gene: KDM6A (lysine demethylase 6A; plus strand). Cytogenetic location: Xp11.3.
Variant type: single nucleotide variant.
Coding change: c.4339C>G on transcript NM_001291415.2 (MANE Select); coding-DNA position 4339, C replaced by G.
Protein change: p.Pro1447Ala; replaces proline 1447 with alanine.
Molecular consequence: missense variant. On other transcripts: non-coding transcript variant (1).
Genome position (GRCh38, 1-based): chrX:45,111,388, C>G. VCF-style: chrX-45111388-C-G. GRCh37 (hg19) VCF-style: chrX-44970633-C-G.
Other names: c.4204C>G, p.Pro1402Ala (NM_001291416.2); c.4048C>G, p.Pro1350Ala (NM_001291417.2); c.4183C>G, p.Pro1395Ala (NM_021140.4); c.3946C>G, p.Pro1316Ala (NM_001291418.2); c.3295C>G, p.Pro1099Ala (NM_001291421.2); c.4081C>G, p.Pro1361Ala (NM_001410742.1); c.4447C>G, p.Pro1483Ala (NM_001419809.1); c.4345C>G, p.Pro1449Ala (NM_001419810.1); and 5 more; short protein forms P1395A, P1402A, P1483A, P1099A, P1350A, P1352A, P1413A, P1431A.
Identifiers: ClinVar variation 3287970 (VCV003287970.4).
Genomic context (GRCh38, chrX:45,111,388, plus strand): 5'-ATGAGCTATTAACAATTTGTATATCAAAATAACCTACCTTACTTTTATTTTCAGGCTCCT[C>G]CATTACCATCCGCCTCATCTTGATATTGTTCCATGGACATTAAATGAGACCTTTTCTGCT-3'
Protein context (NP_001278344.1, residues 1437-1453): QVYDQFTLAP[Pro1447Ala]LPSASS